The following is an entry in ClinVar:

NM_024009.3(GJB3):c.224G>A (p.Arg75His)

Gene: GJB3 (gap junction protein beta 3; plus strand). Cytogenetic location: 1p34.3.
Variant type: single nucleotide variant.
Coding change: c.224G>A on transcript NM_024009.3 (MANE Select); coding-DNA position 224, G replaced by A.
Protein change: p.Arg75His; replaces arginine 75 with histidine.
Molecular consequence: missense variant.
Genome position (GRCh38, 1-based): chr1:34,784,986, G>A. VCF-style: chr1-34784986-G-A. GRCh37 (hg19) VCF-style: chr1-35250587-G-A.
Other names: c.224G>A, p.Arg75His (NM_001005752.2); short protein forms R75H.
Identifiers: ClinVar variation 1300950 (VCV001300950.3), dbSNP rs759343166, ClinGen allele CA754780.

ClinVar aggregate classification (germline): Uncertain significance. Review status: criteria provided, multiple submitters, no conflicts (2 of 4 stars). 2 submissions from 2 submitters: Uncertain significance (2). Last evaluated 2024-11-27.

Conditions:
GJB3-related disorder. Also called: GJB3-related condition.

Allele frequency attached by ClinVar (database versions not stated): TOPMed below 0.00001; gnomAD 0.00001; ExAC 0.00005.
gnomAD v4.1: 72 of 1,614,004 alleles (0.0045%); highest among the groups gnomAD compares: Non-Finnish European, 0.0055%; no homozygotes.

Submissions (2):

PreventionGenetics, part of Exact Sciences
Classification: Uncertain significance for GJB3-related condition. Last evaluated: 2024-11-27. Review status: criteria provided, single submitter. Criteria: ACMG Guidelines, 2015. Collection method: clinical testing. Allele origin: germline.
Comment: The GJB3 c.224G>A variant is predicted to result in the amino acid substitution p.Arg75His. To our knowledge, this variant has not been reported in the literature. This variant is reported in 0.0053% of alleles in individuals of European (Non-Finnish) descent in gnomAD. At this time, the clinical significance of this variant is uncertain due to the absence of conclusive functional and genetic evidence.

GeneDx
Classification: Uncertain significance. Last evaluated: 2021-10-19. Review status: criteria provided, single submitter. Criteria: GeneDx Variant Classification Process June 2021. Collection method: clinical testing. Allele origin: germline. Affected: yes.
Comment: In silico analysis supports that this missense variant has a deleterious effect on protein structure/function; Has not been previously published as pathogenic or benign to our knowledge